The following is an entry in ClinVar:

NM_001130438.3(SPTAN1):c.6178G>C (p.Glu2060Gln)

Gene: SPTAN1 (spectrin alpha, non-erythrocytic 1; plus strand). Cytogenetic location: 9q34.11.
Variant type: single nucleotide variant.
Coding change: c.6178G>C on transcript NM_001130438.3 (MANE Select); coding-DNA position 6178, G replaced by C.
Protein change: p.Glu2060Gln; replaces glutamic acid 2060 with glutamine.
Molecular consequence: missense variant.
Genome position (GRCh38, 1-based): chr9:128,625,877, G>C. VCF-style: chr9-128625877-G-C. GRCh37 (hg19) VCF-style: chr9-131388156-G-C.
Other names: c.6103G>C, p.Glu2035Gln (NM_001195532.2); c.6178G>C, p.Glu2060Gln (NM_001363759.2, NM_001375310.1, NM_001375311.2 and 1 more transcripts); c.6118G>C, p.Glu2040Gln (NM_001363765.2, NM_001375314.2); c.6214G>C, p.Glu2072Gln (NM_001375312.2, NM_001375318.1); c.6163G>C, p.Glu2055Gln (NM_003127.4); short protein forms E2072Q, E2035Q, E2055Q, E2040Q, E2060Q.
Identifiers: ClinVar variation 1437007 (VCV001437007.24), dbSNP rs751423380, ClinGen allele CA5265656.

ClinVar aggregate classification (germline): Conflicting classifications of pathogenicity. Review status: criteria provided, conflicting classifications (1 of 4 stars). 5 submissions from 5 submitters: Uncertain significance (4); Likely benign (1). Last evaluated 2025-06-01.

Conditions:
Inborn genetic diseases. Identifiers: MedGen C0950123, MeSH D030342.
Early-infantile DEE. Also called: Ohtahara syndrome; Early infantile epileptic encephalopathy; Early infantile epileptic encephalopathy with suppression bursts. Identifiers: Orphanet 1934, MedGen C0393706, MONDO:0800491.
Developmental and epileptic encephalopathy, 5 (DEE5). Identifiers: Orphanet 3451, MedGen C3150731, MONDO:0013277, OMIM 613477.

Allele frequency attached by ClinVar (database versions not stated): ExAC 0.00001; gnomAD 0.00001; gnomAD exomes 0.00001; TOPMed 0.00001.
gnomAD v4.1: 120 of 1,614,036 alleles (0.0074%); highest among the groups gnomAD compares: Non-Finnish European, 0.0099%; no homozygotes.

Submissions (5):

CeGaT Center for Human Genetics Tuebingen
Classification: Likely benign. Last evaluated: 2025-06-01. Review status: criteria provided, single submitter. Criteria: CeGaT Center For Human Genetics Tuebingen Variant Classification Criteria Version 2. Collection method: clinical testing. Allele origin: germline. Affected: yes. Observed: 1 variant allele.
Comment: SPTAN1: BS2

Labcorp Genetics (formerly Invitae), Labcorp
Classification: Uncertain significance for Early-infantile DEE. Last evaluated: 2024-05-14. Review status: criteria provided, single submitter. Criteria: Invitae Variant Classification Sherloc (09022015). Collection method: clinical testing. Allele origin: germline.
Comment: This sequence change replaces glutamic acid, which is acidic and polar, with glutamine, which is neutral and polar, at codon 2060 of the SPTAN1 protein (p.Glu2060Gln). This variant is present in population databases (rs751423380, gnomAD 0.002%). This variant has not been reported in the literature in individuals affected with SPTAN1-related conditions. ClinVar contains an entry for this variant (Variation ID: 1437007). Advanced modeling of protein sequence and biophysical properties (such as structural, functional, and spatial information, amino acid conservation, physicochemical variation, residue mobility, and thermodynamic stability) has been performed at Invitae for this missense variant, however the output from this modeling did not meet the statistical confidence thresholds required to predict the impact of this variant on SPTAN1 protein function. In summary, the available evidence is currently insufficient to determine the role of this variant in disease. Therefore, it has been classified as a Variant of Uncertain Significance.

Women's Health and Genetics/Laboratory Corporation of America, LabCorp
Classification: Uncertain significance. Last evaluated: 2024-05-10. Review status: criteria provided, single submitter. Criteria: LabCorp Variant Classification Summary - May 2015. Collection method: clinical testing. Allele origin: germline.
Comment: Variant summary: SPTAN1 c.6178G>C (p.Glu2060Gln) results in a conservative amino acid change in the encoded protein sequence. Four of five in-silico tools predict a benign effect of the variant on protein function. The variant allele was found at a frequency of 8e-06 in 251470 control chromosomes. The available data on variant occurrences in the general population are insufficient to allow any conclusion about variant significance. To our knowledge, no occurrence of c.6178G>C in individuals affected with Epileptic Encephalopathy, Early Infantile, 5 and no experimental evidence demonstrating its impact on protein function have been reported. ClinVar contains an entry for this variant (Variation ID: 1437007). Based on the evidence outlined above, the variant was classified as uncertain significance.

Ambry Genetics
Classification: Uncertain significance for Inborn genetic diseases. Last evaluated: 2023-10-05. Review status: criteria provided, single submitter. Criteria: Ambry Variant Classification Scheme 2023. Collection method: clinical testing. Allele origin: germline.

Victorian Clinical Genetics Services, Murdoch Childrens Research Institute
Classification: Uncertain significance for Developmental and epileptic encephalopathy, 5. Last evaluated: 2022-09-02. Review status: criteria provided, single submitter. Criteria: ACMG Guidelines, 2015. Collection method: clinical testing. Allele origin: germline. Inheritance: Autosomal dominant inheritance. Affected: yes.
Comment: A heterozygous missense variant was identified, NM_001130438.2(SPTAN1):c.6178G>C in exon 48 of 57 of the SPTAN1 gene. This substitution is predicted to create a minor amino acid change from glutamic acid to glutamine at position 2060 of the protein, NP_001123910.1(SPTAN1):p.(Glu2060Gln). The glutamic acid at this position has high conservation (100 vertebrates, UCSC), and is located within a spectrin repeat. In silico software predictions of the pathogenicity of this variant are conflicting (Polyphen, SIFT, CADD, Mutation Taster). The variant is present in the gnomAD population database at a frequency of 0.00080% (2 heterozygotes). The variant has not been previously reported in a clinical testing setting. A different variant in the same codon resulting in a change to lysine has been reported as a VUS in a patient with neonatal epileptic encephalopathy (Oates, S. et al. (2018)). Based on information available at the time of curation, this variant has been classified as a VARIANT of UNCERTAIN SIGNIFICANCE (VUS).